The following is an entry in ClinVar:

ClinVar aggregate classification (germline): Uncertain significance. Review status: criteria provided, multiple submitters, no conflicts (2 of 4 stars). 2 submissions from 2 submitters: Uncertain significance (2). Last evaluated 2025-10-15.

Conditions:
Hereditary cancer-predisposing syndrome. Also called: Hereditary neoplastic syndrome; Neoplastic Syndromes, Hereditary; Hereditary Cancer Syndrome; Tumor predisposition. Identifiers: Orphanet 140162, MedGen C0027672, MeSH D009386, MONDO:0015356.
Tuberous sclerosis 2 (TSC2). Identifiers: Orphanet 805, MedGen C1860707, MONDO:0013199, OMIM 613254.

Submissions (2):

Labcorp Genetics (formerly Invitae), Labcorp
Classification: Uncertain significance for Tuberous sclerosis 2. Last evaluated: 2025-10-15. Review status: criteria provided, single submitter. Criteria: Invitae Variant Classification Sherloc (09022015). Collection method: clinical testing. Allele origin: germline.
Comment: This sequence change replaces serine, which is neutral and polar, with phenylalanine, which is neutral and non-polar, at codon 1220 of the TSC2 protein (p.Ser1220Phe). This variant is not present in population databases (gnomAD no frequency). This variant has not been reported in the literature in individuals affected with TSC2-related conditions. ClinVar contains an entry for this variant (Variation ID: 1392807). Invitae Evidence Modeling of protein sequence and biophysical properties (such as structural, functional, and spatial information, amino acid conservation, physicochemical variation, residue mobility, and thermodynamic stability) indicates that this missense variant is not expected to disrupt TSC2 protein function with a negative predictive value of 95%. In summary, the available evidence is currently insufficient to determine the role of this variant in disease. Therefore, it has been classified as a Variant of Uncertain Significance.

Ambry Genetics
Classification: Uncertain significance for Hereditary cancer-predisposing syndrome. Last evaluated: 2025-06-25. Review status: criteria provided, single submitter. Criteria: Ambry Variant Classification Scheme 2023. Collection method: clinical testing. Allele origin: germline.
Comment: The p.S1220F variant (also known as c.3659C>T), located in coding exon 30 of the TSC2 gene, results from a C to T substitution at nucleotide position 3659. The serine at codon 1220 is replaced by phenylalanine, an amino acid with highly dissimilar properties. This amino acid position is highly conserved in available vertebrate species. In addition, this alteration is predicted to be deleterious by in silico analysis. Based on the available evidence, the clinical significance of this variant remains unclear.

NM_000548.5(TSC2):c.3659C>T (p.Ser1220Phe)

Gene: TSC2 (TSC complex subunit 2; plus strand). Cytogenetic location: 16p13.3.
Variant type: single nucleotide variant.
Coding change: c.3659C>T on transcript NM_000548.5 (MANE Select); coding-DNA position 3659, C replaced by T.
Protein change: p.Ser1220Phe; replaces serine 1220 with phenylalanine.
Molecular consequence: missense variant.
Genome position (GRCh38, 1-based): chr16:2,081,643, C>T. VCF-style: chr16-2081643-C-T. GRCh37 (hg19) VCF-style: chr16-2131644-C-T.
Other names: c.3527C>T, p.Ser1176Phe (NM_001077183.3, NM_001370404.1); c.3659C>T, p.Ser1220Phe (NM_001114382.3); c.3419C>T, p.Ser1140Phe (NM_001318827.2); c.3383C>T, p.Ser1128Phe (NM_001318829.2); c.2927C>T, p.Ser976Phe (NM_001318831.2); c.3560C>T, p.Ser1187Phe (NM_001318832.2); c.3530C>T, p.Ser1177Phe (NM_001363528.2, NM_001370405.1, NM_021055.3); short protein forms S1177F, S976F, S1187F, S1128F, S1140F, S1176F, S1220F.
Identifiers: ClinVar variation 1392807 (VCV001392807.9), dbSNP rs2090155420, ClinGen allele CA394292073.